The following is an entry in ClinVar:

ClinVar aggregate classification (germline): Pathogenic (1 of 4 stars; one submission).

Conditions:
Mitochondrial disease. Also called: Mitochondrial disorders; Mitochondrial disorder. Identifiers: Orphanet 68380, MedGen C0751651, MeSH D028361, MONDO:0044970.

Submission:

Genomenon, Inc
Classification: Pathogenic for Mitochondrial disease. Last evaluated: 2025-11-24. Review status: criteria provided, single submitter. Criteria: Genomenon Sequence Variant Interpretation Standards - Updated. Collection method: curation. Allele origin: germline. Affected: yes.
Comment: TK2 p.Thr74ArgfsTer7 (c.218_219dup) is a frameshift variant that results in the production of a truncated protein which is predicted to undergo nonsense-mediated mRNA decay. This variant has been observed in a proband affected with mitochondrial disease in the compound heterozygous state (20083405). This variant is not present at a significant frequency in gnomAD. In conclusion, we classify TK2 p.Thr74ArgfsTer7 (c.218_219dup) as a pathogenic variant.

Literature cited by the submitters: PubMed 20083405.

NM_004614.5(TK2):c.218_219dup (p.Thr74fs)

Gene: TK2 (thymidine kinase 2; minus strand). Cytogenetic location: 16q21.
Variant type: Microsatellite.
Coding change: c.218_219dup on transcript NM_004614.5 (MANE Select); coding-DNA positions 218 to 219, 2 bases duplicated (CG; older notation c.218_219dupCG).
Protein change: p.Thr74fs; shifts the reading frame from threonine 74.
Molecular consequence: frameshift variant. On other transcripts: 5 prime UTR variant (1), non-coding transcript variant (1), intron variant (1).
Genome position (GRCh38, 1-based): chr16:66,541,891-66,541,892, CG duplicated on the plus strand (CG on the coding strand, the reverse complement: TK2 is on the minus strand); duplicating any 2 consecutive bases within chr16:66,541,891-66,541,894 gives the same sequence; the c. name uses the placement nearest the transcript's 3' end. VCF-style (leftmost placement, unchanged base first): chr16-66541890-T-TCG. GRCh37 (hg19) VCF-style: chr16-66575793-T-TCG.
Other names: c.218_219dup (NM_004614.4); c.125_126dup, p.Thr43fs (NM_001172643.1, NM_001271935.1); c.218_219dup, p.Thr74fs (NM_001172645.2); c.71_72dup, p.Thr25fs (NM_001271934.2); c.-76CG[3] (NM_001272050.2); c.157-4877CG[3] (NM_001172644.2); short protein forms T25fs, T74fs, T43fs.
Identifiers: ClinVar variation 3778865 (VCV003778865.2), dbSNP rs281865505.